The following is an entry in ClinVar:

NM_001040142.2(SCN2A):c.2955C>T (p.Ser985=)

Gene: SCN2A (sodium voltage-gated channel alpha subunit 2; plus strand). Cytogenetic location: 2q24.3.
Variant type: single nucleotide variant.
Coding change: c.2955C>T on transcript NM_001040142.2 (MANE Select); coding-DNA position 2955, C replaced by T.
Protein change: p.Ser985=; no amino-acid change (serine 985 retained).
Molecular consequence: synonymous variant.
Genome position (GRCh38, 1-based): chr2:165,354,227, C>T. VCF-style: chr2-165354227-C-T. GRCh37 (hg19) VCF-style: chr2-166210737-C-T.
Other names: p.S985S:TCC>TCT; p.Ser985=; c.2955C>T, p.Ser985= (NM_001040143.2, NM_001371246.1, NM_001371247.1 and 1 more transcripts).
Identifiers: ClinVar variation 139009 (VCV000139009.54), dbSNP rs149859004, ClinGen allele CA293238.

ClinVar aggregate classification (germline): Conflicting classifications of pathogenicity. Review status: criteria provided, conflicting classifications (1 of 4 stars). 7 submissions from 7 submitters: Uncertain significance (1); Benign (5); Likely benign (1). Last evaluated 2026-06-01.

Conditions:
Inborn genetic diseases. Identifiers: MedGen C0950123, MeSH D030342.
Seizures, benign familial infantile, 3 (BFIS3). Also called: CONVULSIONS, BENIGN FAMILIAL INFANTILE, 3; Familial neonatal seizures. Identifiers: Orphanet 140927, Orphanet 306, MedGen C1843140, MONDO:0011904, OMIM 607745.
Developmental and epileptic encephalopathy, 11 (DEE11). Also called: Early infantile epileptic encephalopathy 11. Identifiers: Orphanet 1934, MedGen C3150987, MONDO:0013388, OMIM 613721.

Allele frequency attached by ClinVar (database versions not stated): TOPMed 0.00037; 1000 Genomes Project 30x 0.00078; ESP Exome Variant Server 0.00092; 1000 Genomes Project 0.00100; gnomAD exomes 0.00137 and 0.00306; gnomAD 0.00238 and 0.00252; ExAC 0.00332.
gnomAD v4.1: 2,392 of 1,614,022 alleles (0.15%); highest among the groups gnomAD compares: Non-Finnish European, 0.064%; 24 homozygotes.

Submissions (7):

CeGaT Center for Human Genetics Tuebingen
Classification: Likely benign. Last evaluated: 2026-06-01. Review status: criteria provided, single submitter. Criteria: CeGaT Center For Human Genetics Tuebingen Variant Classification Criteria Version 2. Collection method: clinical testing. Allele origin: germline. Affected: yes. Observed: 20 variant alleles.
Comment: SCN2A: BP4, BP7

Labcorp Genetics (formerly Invitae), Labcorp
Classification: Benign for Seizures, benign familial infantile, 3; Developmental and epileptic encephalopathy, 11. Last evaluated: 2026-01-19. Review status: criteria provided, single submitter. Criteria: Invitae Variant Classification Sherloc (09022015). Collection method: clinical testing. Allele origin: germline.

Mayo Clinic Laboratories, Mayo Clinic
Classification: Benign. Last evaluated: 2025-08-11. Review status: criteria provided, single submitter. Criteria: ACMG Guidelines, 2015. Collection method: clinical testing. Allele origin: germline. Observed: 2 variant alleles.
Comment: BA1, BP4, BP7

Illumina Laboratory Services, Illumina
Classification: Benign for Seizures, benign familial infantile, 3. Last evaluated: 2018-01-13. Review status: criteria provided, single submitter. Criteria: ICSL Variant Classification Criteria 13 December 2019. Collection method: clinical testing. Allele origin: germline.
Comment: This variant was observed in the ICSL laboratory as part of a predisposition screen in an ostensibly healthy population. It had not been previously curated by ICSL or reported in the Human Gene Mutation Database (HGMD: prior to June 1st, 2018), and was therefore a candidate for classification through an automated scoring system. Utilizing variant allele frequency, disease prevalence and penetrance estimates, and inheritance mode, an automated score was calculated to assess if this variant is too frequent to cause the disease. Based on the score and internal cut-off values, a variant classified as benign is not then subjected to further curation. The score for this variant resulted in a classification of benign for this disease.

Ambry Genetics
Classification: Benign for Inborn genetic diseases. Last evaluated: 2017-11-10. Review status: criteria provided, single submitter. Criteria: Ambry Variant Classification Scheme 2023. Collection method: clinical testing. Allele origin: germline.

Genetic Services Laboratory, University of Chicago
Classification: Uncertain significance. Last evaluated: 2014-12-19. Review status: criteria provided, single submitter. Criteria: ACMG Guidelines, 2015. Collection method: clinical testing. Allele origin: germline.

GeneDx
Classification: Benign. Last evaluated: 2013-02-12. Review status: criteria provided, single submitter. Criteria: GeneDx Variant Classification (06012015). Collection method: clinical testing. Allele origin: germline. Affected: yes.
Comment: This variant is considered likely benign or benign based on one or more of the following criteria: it is a conservative change, it occurs at a poorly conserved position in the protein, it is predicted to be benign by multiple in silico algorithms, and/or has population frequency not consistent with disease.